The following is an entry in ClinVar:

NM_003482.4(KMT2D):c.5750_5751delinsAA (p.Ser1917Lys)

Gene: KMT2D (lysine methyltransferase 2D; minus strand). Cytogenetic location: 12q13.12.
Variant type: Indel.
Coding change: c.5750_5751delinsAA on transcript NM_003482.4 (MANE Select); coding-DNA positions 5750 to 5751, GC replaced by AA.
Protein change: p.Ser1917Lys; replaces serine 1917 with lysine.
Molecular consequence: missense variant.
Genome position (GRCh38, 1-based): chr12:49,042,772-49,042,773, GC replaced by TT on the plus strand (GC replaced by AA on the coding strand, the reverse complement: KMT2D is on the minus strand). VCF-style: chr12-49042772-GC-TT. GRCh37 (hg19) VCF-style: chr12-49436555-GC-TT.
Other names: c.5750_5751delinsAA (NM_003482.3); short protein forms S1917K.
Identifiers: ClinVar variation 2198507 (VCV002198507.6), dbSNP rs2498410172, ClinGen allele CA2580086395.

ClinVar aggregate classification (germline): Uncertain significance. Review status: criteria provided, multiple submitters, no conflicts (2 of 4 stars). 3 submissions from 3 submitters: Uncertain significance (3). Last evaluated 2025-08-03.

Conditions:
Choanal atresia-athelia-hypothyroidism-delayed puberty-short stature syndrome (BCAHH). Also called: BRANCHIAL ARCH ABNORMALITIES, CHOANAL ATRESIA, ATHELIA, HEARING LOSS, AND HYPOTHYROIDISM SYNDROME. Identifiers: Orphanet 589856, MedGen C5680310, MONDO:0035651, OMIM 620186.
Kabuki syndrome 1 (KABUK1). Also called: KMT2D-Related Kabuki Syndrome. Identifiers: Orphanet 2322, MedGen CN030661, MONDO:0007843, OMIM 147920.
KMT2D-related disorder. Also called: KMT2D-Related Disorders.
Kabuki syndrome. Also called: NIIKAWA-KUROKI SYNDROME; Kabuki make-up syndrome. Identifiers: Orphanet 2322, MedGen C0796004, MONDO:0016512.

Submissions (3):

Labcorp Genetics (formerly Invitae), Labcorp
Classification: Uncertain significance for Kabuki syndrome. Last evaluated: 2025-08-03. Review status: criteria provided, single submitter. Criteria: Invitae Variant Classification Sherloc (09022015). Collection method: clinical testing. Allele origin: germline.
Comment: This sequence change replaces serine, which is neutral and polar, with lysine, which is basic and polar, at codon 1917 of the KMT2D protein (p.Ser1917Lys). This variant is present in population databases (no rsID available, gnomAD 0.001%). This variant has not been reported in the literature in individuals affected with KMT2D-related conditions. ClinVar contains an entry for this variant (Variation ID: 2198507). An algorithm developed to predict the effect of missense changes on protein structure and function (PolyPhen-2) suggests that this variant is likely to be tolerated. In summary, the available evidence is currently insufficient to determine the role of this variant in disease. Therefore, it has been classified as a Variant of Uncertain Significance.

PreventionGenetics, part of Exact Sciences
Classification: Uncertain significance for KMT2D-related condition. Last evaluated: 2025-02-06. Review status: criteria provided, single submitter. Criteria: ACMG Guidelines, 2015. Collection method: clinical testing. Allele origin: germline.
Comment: The KMT2D c.5750_5751delinsAA variant is predicted to result in an in-frame deletion and insertion. To our knowledge, this variant has not been reported in the literature or in a large population database (gnomAD), indicating this variant is rare. At this time, the clinical significance of this variant is uncertain due to the absence of conclusive functional and genetic evidence.

Fulgent Genetics
Classification: Uncertain significance for Kabuki syndrome 1; Choanal atresia-athelia-hypothyroidism-delayed puberty-short stature syndrome. Last evaluated: 2024-05-31. Review status: criteria provided, single submitter. Criteria: ACMG Guidelines, 2015. Collection method: clinical testing. Allele origin: germline.